The following is an entry in ClinVar:

ClinVar aggregate classification (germline): Conflicting classifications of pathogenicity. Review status: criteria provided, conflicting classifications (1 of 4 stars). 5 submissions from 5 submitters: Uncertain significance (3); Likely benign (1). 1 of the submissions does not count toward it. Last evaluated 2026-01-05.

Conditions:
Usher syndrome type 2A. Also called: RETINAL DISEASE IN USHER SYNDROME TYPE IIA, MODIFIER OF; USHER SYNDROME, TYPE IIA. Identifiers: Orphanet 231178, Orphanet 886, MedGen C1848634, MONDO:0010169, OMIM 276901.

Allele frequency attached by ClinVar (database versions not stated): gnomAD exomes 0.00001 and 0.00004; gnomAD 0.00002 and 0.00003; TOPMed 0.00002; ExAC 0.00006.
gnomAD v4.1: 23 of 1,613,620 alleles (0.0014%); highest among the groups gnomAD compares: East Asian, 0.042%; no homozygotes.

Submissions (5):

Labcorp Genetics (formerly Invitae), Labcorp
Classification: Likely benign. Last evaluated: 2026-01-05. Review status: criteria provided, single submitter. Criteria: Invitae Variant Classification Sherloc (09022015). Collection method: clinical testing. Allele origin: germline.

GeneDx
Classification: Uncertain significance. Last evaluated: 2025-01-01. Review status: criteria provided, single submitter. Criteria: GeneDx Variant Classification Process June 2021. Collection method: clinical testing. Allele origin: germline. Affected: yes.
Comment: In silico analysis indicates that this missense variant does not alter protein structure/function; This variant is associated with the following publications: (PMID: 32188678)

Blueprint Genetics
Classification: Uncertain significance. Last evaluated: 2024-09-05. Review status: criteria provided, single submitter. Criteria: ACMG Guidelines, 2015. Collection method: clinical testing. Allele origin: germline.

Laboratory for Molecular Medicine, Mass General Brigham Personalized Medicine
Classification: Uncertain significance. Last evaluated: 2018-09-12. Review status: criteria provided, single submitter. Criteria: LMM Criteria. Collection method: clinical testing. Allele origin: germline. Observed: 1 variant allele.
Comment: The p.Cys3016Tyr variant in USH2A has not been previously reported in individual s with hearing loss or Usher syndrome, but has been identified in 0.07% (13/1884 4) of East Asian chromosomes by gnomAD. Compu tational prediction tools and conservation analysis suggest that this variant ma y not impact the protein, though this information is not predictive enough to ru le out pathogenicity. In summary, the clinical significance of the p.Cys3016Tyr variant is uncertain. ACMG/AMP Criteria applied: BP4.

Natera, Inc.
Classification: Uncertain significance for Usher syndrome type 2A. Last evaluated: 2020-09-16. Review status: no assertion criteria provided. Collection method: clinical testing. Allele origin: germline. Not counted in ClinVar's aggregate classification.

NM_206933.4(USH2A):c.9047G>A (p.Cys3016Tyr)

Gene: USH2A (usherin; minus strand). Cytogenetic location: 1q41.
Variant type: single nucleotide variant.
Coding change: c.9047G>A on transcript NM_206933.4 (MANE Select); coding-DNA position 9047, G replaced by A.
Protein change: p.Cys3016Tyr; replaces cysteine 3016 with tyrosine.
Molecular consequence: missense variant.
Genome position (GRCh38, 1-based): chr1:215,845,832, C>T on the plus strand (G>A on the coding strand, the complement: USH2A is on the minus strand). VCF-style: chr1-215845832-C-T. GRCh37 (hg19) VCF-style: chr1-216019174-C-T.
Other names: short protein forms C3016Y.
Identifiers: ClinVar variation 666954 (VCV000666954.12), dbSNP rs759365458, ClinGen allele CA1394429.